The following is an entry in ClinVar:

NM_002293.4(LAMC1):c.3304C>T (p.Arg1102Cys)

Gene: LAMC1 (laminin subunit gamma 1; plus strand). Cytogenetic location: 1q25.3.
Variant type: single nucleotide variant.
Coding change: c.3304C>T on transcript NM_002293.4 (MANE Select); coding-DNA position 3304, C replaced by T.
Protein change: p.Arg1102Cys; replaces arginine 1102 with cysteine.
Molecular consequence: missense variant.
Genome position (GRCh38, 1-based): chr1:183,130,367, C>T. VCF-style: chr1-183130367-C-T. GRCh37 (hg19) VCF-style: chr1-183099502-C-T.
Other names: short protein forms R1102C.
Identifiers: ClinVar variation 487617 (VCV000487617.1), dbSNP rs142883085, ClinGen allele CA1281629.

ClinVar aggregate classification (germline): Uncertain significance (0 of 4 stars; one submission).

Conditions:
Wolff-Parkinson-White pattern. Also called: WPW SYNDROME; Auriculoventricular accessory pathway syndrome; False bundle branch block syndrome; Anomalous ventricular excitation syndrome. Identifiers: MedGen C0043202, MONDO:0008685, OMIM 194200, HP:0001716.

Allele frequency attached by ClinVar (database versions not stated): gnomAD exomes 0.00003 and 0.00020; ExAC 0.00004; TOPMed 0.00006; gnomAD 0.00009; ESP Exome Variant Server 0.00023.
gnomAD v4.1: 299 of 1,613,912 alleles (0.019%); highest among the groups gnomAD compares: Non-Finnish European, 0.025%; 1 homozygote.

Submission:

Lupski Lab, Baylor-Hopkins CMG, Baylor College of Medicine
Classification: Uncertain significance for Wolff-Parkinson-White pattern. Last evaluated: 2017-07-14. Review status: no assertion criteria provided. Collection method: research. Allele origin: inherited. Affected: yes. Observed: 1 variant allele. Study: Candidate_variants_in_patients_with_ Wolff-Parkinson-White Syndrome.